The following is an entry in ClinVar:

ClinVar aggregate classification (germline): Pathogenic (1 of 4 stars; one submission).

Conditions:
Gorlin syndrome. Also called: Nevoid Basal Cell Carcinoma Syndrome; Basal cell nevus syndrome. Identifiers: Orphanet 377, MedGen C0004779, MONDO:0007187.

Submission:

Labcorp Genetics (formerly Invitae), Labcorp
Classification: Pathogenic for Gorlin syndrome. Last evaluated: 2023-05-08. Review status: criteria provided, single submitter. Criteria: Invitae Variant Classification Sherloc (09022015). Collection method: clinical testing. Allele origin: germline.
Comment: This variant has not been reported in the literature in individuals affected with PTCH1-related conditions. This variant is not present in population databases (gnomAD no frequency). This sequence change creates a premature translational stop signal (p.Ser444Alafs*12) in the PTCH1 gene. It is expected to result in an absent or disrupted protein product. Loss-of-function variants in PTCH1 are known to be pathogenic (PMID: 16301862, 16419085). ClinVar contains an entry for this variant (Variation ID: 220079). For these reasons, this variant has been classified as Pathogenic.

Literature cited by the submitters: PubMed 16301862; PubMed 16419085.

NM_000264.5(PTCH1):c.1329del (p.Ser444fs)

Gene: PTCH1 (patched 1; minus strand). Cytogenetic location: 9q22.32.
Variant type: Deletion.
Coding change: c.1329del on transcript NM_000264.5 (MANE Select); coding-DNA position 1329, one base deleted (C; older notation c.1329delC).
Protein change: p.Ser444fs; shifts the reading frame from serine 444.
Molecular consequence: frameshift variant. On other transcripts: non-coding transcript variant (1).
Genome position (GRCh38, 1-based): chr9:95,478,073, G deleted on the plus strand (C on the coding strand, the reverse complement: PTCH1 is on the minus strand); the first of 2 consecutive G bases (chr9:95,478,073-95,478,074); deleting either gives the same sequence. VCF-style (leftmost placement, unchanged base first): chr9-95478072-TG-T. GRCh37 (hg19) VCF-style: chr9-98240354-TG-T.
Other names: c.1131del, p.Ser378fs (NM_001083602.3); c.1326del, p.Ser443fs (NM_001083603.3); c.876del, p.Ser293fs (NM_001083604.3, NM_001083605.3, NM_001083606.3 and 1 more transcripts); c.1329del, p.Ser444fs (NM_001354918.2); short protein forms S444fs, S378fs, S293fs, S443fs.
Identifiers: ClinVar variation 220079 (VCV000220079.9), dbSNP rs864622374, ClinGen allele CA350347.
Genomic context (GRCh38, chr9:95,478,072, plus strand): 5'-CAAACCAAACTCCAGCCCCCAGGAGCATGGCATCGAGCGTTACCATGAGTAAGTAGCCGC[TG>T]GCCACGCGGATGACACTGACGTCAGAGAAGGATTTCAGGATGTCGTCCAGGGTCGTGGTG-3'